The following is an entry in ClinVar:

ClinVar aggregate classification (germline): Uncertain significance. Review status: criteria provided, multiple submitters, no conflicts (2 of 4 stars). 2 submissions from 2 submitters: Uncertain significance (2). Last evaluated 2023-07-21.

gnomAD v4.1: 4 of 1,614,098 alleles (0.00025%); highest among the groups gnomAD compares: Non-Finnish European, 0.00034%; no homozygotes.

Submissions (2):

Labcorp Genetics (formerly Invitae), Labcorp
Classification: Uncertain significance. Last evaluated: 2023-07-21. Review status: criteria provided, single submitter. Criteria: Invitae Variant Classification Sherloc (09022015). Collection method: clinical testing. Allele origin: germline.
Comment: This sequence change replaces arginine, which is basic and polar, with serine, which is neutral and polar, at codon 207 of the PRPF4 protein (p.Arg207Ser). This variant is not present in population databases (gnomAD no frequency). This variant has not been reported in the literature in individuals affected with PRPF4-related conditions. ClinVar contains an entry for this variant (Variation ID: 2060741). An algorithm developed to predict the effect of missense changes on protein structure and function (PolyPhen-2) suggests that this variant is likely to be tolerated. In summary, the available evidence is currently insufficient to determine the role of this variant in disease. Therefore, it has been classified as a Variant of Uncertain Significance.

Blueprint Genetics
Classification: Uncertain significance. Last evaluated: 2022-09-05. Review status: criteria provided, single submitter. Criteria: ACMG Guidelines, 2015. Collection method: clinical testing. Allele origin: germline.

NM_001244926.2(PRPF4):c.618G>C (p.Arg206Ser)

Gene: PRPF4 (pre-mRNA splicing tri-snRNP complex factor PRPF4; plus strand). Cytogenetic location: 9q32.
Variant type: single nucleotide variant.
Coding change: c.618G>C on transcript NM_001244926.2 (MANE Select); coding-DNA position 618, G replaced by C.
Protein change: p.Arg206Ser; replaces arginine 206 with serine.
Molecular consequence: missense variant. On other transcripts: 5 prime UTR variant (2), non-coding transcript variant (2).
Genome position (GRCh38, 1-based): chr9:113,283,446, G>C. VCF-style: chr9-113283446-G-C. GRCh37 (hg19) VCF-style: chr9-116045726-G-C.
Other names: c.-148G>C (NM_001322266.2, NM_001322267.2); c.621G>C, p.Arg207Ser (NM_004697.5); short protein forms R207S, R206S.
Identifiers: ClinVar variation 2060741 (VCV002060741.5), dbSNP rs2490811889, ClinGen allele CA374553220.